The following is an entry in ClinVar:

ClinVar aggregate classification (germline): Uncertain significance. Review status: criteria provided, multiple submitters, no conflicts (2 of 4 stars). 2 submissions from 2 submitters: Uncertain significance (2). Last evaluated 2025-06-17.

Conditions:
NPHP1-related disorder. Also called: NPHP1-related condition; NPHP1-related disorders.
Nephronophthisis. Also called: Juvenile Nephronophthisis. Identifiers: Orphanet 655, MedGen C0687120, MONDO:0019005, HP:0000090.

Allele frequency attached by ClinVar (database versions not stated): gnomAD exomes below 0.00001; TOPMed below 0.00001; gnomAD 0.00001.
gnomAD v4.1: 5 of 1,602,680 alleles (0.00031%); highest among the groups gnomAD compares: Admixed American, 0.0033%; no homozygotes.

Submissions (2):

PreventionGenetics, part of Exact Sciences
Classification: Uncertain significance for NPHP1-related condition. Last evaluated: 2025-06-17. Review status: criteria provided, single submitter. Criteria: ACMG Guidelines, 2015. Collection method: clinical testing. Allele origin: germline.
Comment: The NPHP1 c.1345T>C variant is predicted to result in the amino acid substitution p.Cys449Arg. To our knowledge, this variant has not been reported in the literature. This variant is reported in 0.0028% of alleles in individuals of Latino descent in gnomAD. At this time, the clinical significance of this variant is uncertain due to the absence of conclusive functional and genetic evidence.

Labcorp Genetics (formerly Invitae), Labcorp
Classification: Uncertain significance for Nephronophthisis. Last evaluated: 2022-01-19. Review status: criteria provided, single submitter. Criteria: Invitae Variant Classification Sherloc (09022015). Collection method: clinical testing. Allele origin: germline.
Comment: This sequence change replaces cysteine, which is neutral and slightly polar, with arginine, which is basic and polar, at codon 449 of the NPHP1 protein (p.Cys449Arg). This variant is present in population databases (rs745877439, gnomAD 0.003%). This variant has not been reported in the literature in individuals affected with NPHP1-related conditions. Algorithms developed to predict the effect of missense changes on protein structure and function are either unavailable or do not agree on the potential impact of this missense change (SIFT: "Deleterious"; PolyPhen-2: "Probably Damaging"; Align-GVGD: "Class C0"). In summary, the available evidence is currently insufficient to determine the role of this variant in disease. Therefore, it has been classified as a Variant of Uncertain Significance.

NM_001128178.3(NPHP1):c.1177T>C (p.Cys393Arg)

Gene: NPHP1 (nephrocystin 1; minus strand). Cytogenetic location: 2q13.
Variant type: single nucleotide variant.
Coding change: c.1177T>C on transcript NM_001128178.3 (MANE Select); coding-DNA position 1177, T replaced by C.
Protein change: p.Cys393Arg; replaces cysteine 393 with arginine.
Molecular consequence: missense variant.
Genome position (GRCh38, 1-based): chr2:110,148,008, A>G on the plus strand (T>C on the coding strand, the complement: NPHP1 is on the minus strand). VCF-style: chr2-110148008-A-G. GRCh37 (hg19) VCF-style: chr2-110905585-A-G.
Other names: c.1345T>C, p.Cys449Arg (NM_000272.5); c.988T>C, p.Cys330Arg (NM_001128179.3); c.1174T>C, p.Cys392Arg (NM_001374256.1); c.1177T>C, p.Cys393Arg (NM_001374257.1); c.1342T>C, p.Cys448Arg (NM_207181.4); c.1345T>C (NM_000272.3); short protein forms C330R, C392R, C448R, C393R, C449R.
Identifiers: ClinVar variation 2068881 (VCV002068881.2), dbSNP rs745877439, ClinGen allele CA53537866.